The following is an entry in ClinVar:

NM_021098.3(CACNA1H):c.1396C>T (p.His466Tyr)

Gene: CACNA1H (calcium voltage-gated channel subunit alpha1 H; plus strand). Cytogenetic location: 16p13.3.
Variant type: single nucleotide variant.
Coding change: c.1396C>T on transcript NM_021098.3 (MANE Select); coding-DNA position 1396, C replaced by T.
Protein change: p.His466Tyr; replaces histidine 466 with tyrosine.
Molecular consequence: missense variant.
Genome position (GRCh38, 1-based): chr16:1,201,846, C>T. VCF-style: chr16-1201846-C-T. GRCh37 (hg19) VCF-style: chr16-1251846-C-T.
Other names: c.1396C>T, p.His466Tyr (NM_001005407.2); short protein forms H466Y.
Identifiers: ClinVar variation 1800793 (VCV001800793.2), dbSNP rs1967962162, ClinGen allele CA394160662.

ClinVar aggregate classification (germline): Uncertain significance (1 of 4 stars; one submission).

Allele frequency attached by ClinVar (database versions not stated): TOPMed 0.00001; gnomAD 0.00002.
gnomAD v4.1: 3 of 1,568,320 alleles (0.00019%); highest among the groups gnomAD compares: African/African-American, 0.0041%; no homozygotes.

Submission:

GeneDx
Classification: Uncertain significance. Last evaluated: 2023-06-27. Review status: criteria provided, single submitter. Criteria: GeneDx Variant Classification Process June 2021. Collection method: clinical testing. Allele origin: germline.
Comment: Has not been previously published as pathogenic or benign to our knowledge; Not observed at significant frequency in large population cohorts (gnomAD); In silico analysis supports that this missense variant does not alter protein structure/function